The following is an entry in ClinVar:

NM_020919.4(ALS2):c.4399C>G (p.Pro1467Ala)

Gene: ALS2 (alsin Rho guanine nucleotide exchange factor ALS2; minus strand). Cytogenetic location: 2q33.1.
Variant type: single nucleotide variant.
Coding change: c.4399C>G on transcript NM_020919.4 (MANE Select); coding-DNA position 4399, C replaced by G.
Protein change: p.Pro1467Ala; replaces proline 1467 with alanine.
Molecular consequence: missense variant.
Genome position (GRCh38, 1-based): chr2:201,707,873, G>C on the plus strand (C>G on the coding strand, the complement: ALS2 is on the minus strand). VCF-style: chr2-201707873-G-C. GRCh37 (hg19) VCF-style: chr2-202572596-G-C.
Other names: short protein forms P1467A.
Identifiers: ClinVar variation 1374232 (VCV001374232.4), dbSNP rs180758472, ClinGen allele CA350322438.
Genomic context (GRCh38, chr2:201,707,873, plus strand): 5'-TAAGATCATCTAGTCACCATTCCCTTTCTTCACTGTCCCCACCCAACTCCATTTACCCTG[G>C]CTCTGGTGATTCAGATCGGGAATCTGACTTCCCAGTGCAAAAAGACTTCCTTTCGGTTGG-3'
Protein context (NP_065970.2, residues 1457-1477): KSDSRSESPE[Pro1467Ala]GYVVTSSGLL

ClinVar aggregate classification (germline): Uncertain significance (1 of 4 stars; one submission).

Conditions:
Infantile-onset ascending hereditary spastic paralysis (IAHSP). Also called: Infantile-Onset Ascending Hereditary Spastic Paralysis (IAHSP); Autosomal Recessive Juvenile Amyotrophic Lateral Sclerosis. Identifiers: Orphanet 293168, MedGen C2931441, MONDO:0011797, OMIM 607225. Disease mechanism: loss of function.

Allele frequency attached by ClinVar (database versions not stated): gnomAD exomes below 0.00001.
gnomAD v4.1: 1 of 1,613,128 alleles (0.000062%); highest among the groups gnomAD compares: Non-Finnish European, 0.000085%; no homozygotes.

Submission:

Labcorp Genetics (formerly Invitae), Labcorp
Classification: Uncertain significance for Infantile-onset ascending hereditary spastic paralysis. Last evaluated: 2022-06-28. Review status: criteria provided, single submitter. Criteria: Invitae Variant Classification Sherloc (09022015). Collection method: clinical testing. Allele origin: germline.
Comment: Algorithms developed to predict the effect of missense changes on protein structure and function (SIFT, PolyPhen-2, Align-GVGD) all suggest that this variant is likely to be tolerated. This variant has not been reported in the literature in individuals affected with ALS2-related conditions. This variant is not present in population databases (gnomAD no frequency). This sequence change replaces proline, which is neutral and non-polar, with alanine, which is neutral and non-polar, at codon 1467 of the ALS2 protein (p.Pro1467Ala). In summary, the available evidence is currently insufficient to determine the role of this variant in disease. Therefore, it has been classified as a Variant of Uncertain Significance.